The following is an entry in ClinVar:

NM_000090.4(COL3A1):c.842C>T (p.Pro281Leu)

Gene: COL3A1 (collagen type III alpha 1 chain; plus strand). Cytogenetic location: 2q32.2.
Variant type: single nucleotide variant.
Coding change: c.842C>T on transcript NM_000090.4 (MANE Select); coding-DNA position 842, C replaced by T.
Protein change: p.Pro281Leu; replaces proline 281 with leucine.
Molecular consequence: missense variant.
Genome position (GRCh38, 1-based): chr2:188,991,047, C>T. VCF-style: chr2-188991047-C-T. GRCh37 (hg19) VCF-style: chr2-189855773-C-T.
Other names: short protein forms P281L.
Identifiers: ClinVar variation 4737037 (VCV004737037.1).

ClinVar aggregate classification (germline): Uncertain significance (1 of 4 stars; one submission).

Conditions:
Ehlers-Danlos syndrome, type 4 (EDSVASC). Also called: Ehlers-Danlos syndrome vascular type; Ehlers Danlos syndrome, ecchymotic type; Ehlers Danlos syndrome, arterial type; Ehlers Danlos syndrome, Sack-Barabas type; Ehlers-Danlos Syndrome Type IV. Identifiers: Orphanet 286, MedGen C0268338, MONDO:0017314, OMIM 130050.

gnomAD v4.1: 2 of 1,613,116 alleles (0.00012%); highest among the groups gnomAD compares: Non-Finnish European, 0.00017%; no homozygotes.

Submission:

Labcorp Genetics (formerly Invitae), Labcorp
Classification: Uncertain significance for Ehlers-Danlos syndrome, type 4. Last evaluated: 2026-01-11. Review status: criteria provided, single submitter. Criteria: Invitae Variant Classification Sherloc (09022015). Collection method: clinical testing. Allele origin: germline.
Comment: This sequence change replaces proline, which is neutral and non-polar, with leucine, which is neutral and non-polar, at codon 281 of the COL3A1 protein (p.Pro281Leu). This variant is not present in population databases (gnomAD no frequency). This variant has not been reported in the literature in individuals affected with COL3A1-related conditions. Invitae Evidence Modeling of protein sequence and biophysical properties (such as structural, functional, and spatial information, amino acid conservation, physicochemical variation, residue mobility, and thermodynamic stability) indicates that this missense variant is not expected to disrupt COL3A1 protein function with a negative predictive value of 95%. In summary, the available evidence is currently insufficient to determine the role of this variant in disease. Therefore, it has been classified as a Variant of Uncertain Significance.